The following is an entry in ClinVar:

NM_152564.5(VPS13B):c.7799A>C (p.Glu2600Ala)

Gene: VPS13B (vacuolar protein sorting 13 homolog B; plus strand). Cytogenetic location: 8q22.2.
Variant type: single nucleotide variant.
Coding change: c.7799A>C on transcript NM_152564.5 (MANE Select); coding-DNA position 7799, A replaced by C.
Protein change: p.Glu2600Ala; replaces glutamic acid 2600 with alanine.
Molecular consequence: missense variant.
Genome position (GRCh38, 1-based): chr8:99,784,334, A>C. VCF-style: chr8-99784334-A-C. GRCh37 (hg19) VCF-style: chr8-100796562-A-C.
Other names: c.7874A>C, p.Glu2625Ala (NM_017890.5); short protein forms E2600A, E2625A.
Identifiers: ClinVar variation 4742912 (VCV004742912.1).
Genomic context (GRCh38, chr8:99,784,334, plus strand): 5'-TAATCCGATCCATGTTGGCTTTCGTATCCTTTTTCTTTCAGAACAAATGCCCTGAGGTAG[A>C]GGAGTTGGTCTTCAGCCATTTTGTGATCTGTAATGACACACAGGAGACACTGCGGTTTGG-3'
Protein context (NP_689777.3, residues 2590-2610): AWQQNKCPEV[Glu2600Ala]ELVFSHFVIC

ClinVar aggregate classification (germline): Uncertain significance (1 of 4 stars; one submission).

Conditions:
Cohen syndrome (COH1). Also called: PEPPER SYNDROME; Cutis verticis gyrata, retinitis pigmentosa, and sensorineural deafness. Identifiers: Orphanet 193, MedGen C0265223, MONDO:0008999, OMIM 216550.

Submission:

Labcorp Genetics (formerly Invitae), Labcorp
Classification: Uncertain significance for Cohen syndrome. Last evaluated: 2025-04-14. Review status: criteria provided, single submitter. Criteria: Invitae Variant Classification Sherloc (09022015). Collection method: clinical testing. Allele origin: germline.
Comment: This sequence change replaces glutamic acid, which is acidic and polar, with alanine, which is neutral and non-polar, at codon 2625 of the VPS13B protein (p.Glu2625Ala). This variant is not present in population databases (gnomAD no frequency). This variant has not been reported in the literature in individuals affected with VPS13B-related conditions. Invitae Evidence Modeling of protein sequence and biophysical properties (such as structural, functional, and spatial information, amino acid conservation, physicochemical variation, residue mobility, and thermodynamic stability) indicates that this missense variant is expected to disrupt VPS13B protein function with a positive predictive value of 80%. In summary, the available evidence is currently insufficient to determine the role of this variant in disease. Therefore, it has been classified as a Variant of Uncertain Significance.